The following is an entry in ClinVar:

NM_000081.4(LYST):c.7229+50CTTTT[7]

Gene: LYST (lysosomal trafficking regulator; minus strand). Cytogenetic location: 1q42.3.
Variant type: Microsatellite.
Coding change: c.7229+50CTTTT[7] on transcript NM_000081.4 (MANE Select); seven copies in a row of the 5-base unit CTTTT starting at c.7229+50; the reference has eight copies in a row; one copy, 5 bases deleted.
Molecular consequence: intron variant.
Genome position (GRCh38, 1-based): chr1:235,755,389-235,755,393, AAAAG deleted on the plus strand (CTTTT on the coding strand, the reverse complement: LYST is on the minus strand); deleting any 5 consecutive bases within chr1:235,755,389-235,755,432 gives the same sequence; the position shown is the placement nearest the transcript's 3' end. VCF-style (leftmost placement, unchanged base first): chr1-235755388-CAAAAG-C. GRCh37 (hg19) VCF-style: chr1-235918688-CAAAAG-C.
Other names: c.7229+50CTTTT[7] (NM_001301365.1).
Identifiers: ClinVar variation 801635 (VCV000801635.6), dbSNP rs71174459, ClinGen allele CA39614202.
Genomic context (GRCh38, chr1:235,755,388, plus strand): 5'-GCAGTGAGCCGAGATTGCACCATTGCACTCCAGCCTGGGCAACAGGGCGAGACTCCGTCT[CAAAAG>C]AAAAGAAAAGAAAAGAAAAGAAAAGAAAAGAAAAGAAAAAAGACAAAAGATTCCCAATTA-3'

ClinVar aggregate classification (germline): Benign. Review status: criteria provided, multiple submitters, no conflicts (2 of 4 stars). 3 submissions from 3 submitters: Benign (3). Last evaluated 2023-11-12.

Conditions:
Chédiak-Higashi syndrome (CHS). Also called: Chediak-Higashi Syndrome. Identifiers: Orphanet 167, MedGen C0007965, MONDO:0008963, OMIM 214500.

Submissions (3):

Unidad de Genómica Garrahan, Hospital de Pediatría Garrahan
Classification: Benign. Last evaluated: 2023-11-12. Review status: criteria provided, single submitter. Criteria: ACMG Guidelines, 2015. Collection method: clinical testing. Allele origin: germline. Affected: no. Observed: 42 variant alleles.
Comment: This variant is classified as Benign based on local population frequency. This variant was detected in 44% of patients studied by a panel of primary immunodeficiencies. Number of patients: 42. Only high quality variants are reported.

GeneDx
Classification: Benign. Last evaluated: 2019-08-13. Review status: criteria provided, single submitter. Criteria: GeneDx Variant Classification Process June 2021. Collection method: clinical testing. Allele origin: germline. Affected: yes.

Mendelics
Classification: Benign for Chédiak-Higashi syndrome. Last evaluated: 2019-05-28. Review status: criteria provided, single submitter. Criteria: Mendelics Assertion Criteria 2017. Collection method: clinical testing. Allele origin: unknown.